The following is an entry in ClinVar:

ClinVar aggregate classification (germline): Likely benign. Review status: criteria provided, multiple submitters, no conflicts (2 of 4 stars). 2 submissions from 2 submitters: Likely benign (2). Last evaluated 2025-12-03.

Conditions:
Ehlers-Danlos syndrome, classic type, 1 (EDSCL1). Also called: EHLERS-DANLOS SYNDROME, GRAVIS TYPE; EHLERS-DANLOS SYNDROME, SEVERE CLASSIC TYPE; Ehlers-Danlos Syndrome, Classic Type, COL5A1-Related; EDS I; Ehlers-Danlos syndrome, type 1. Identifiers: MedGen C0268335, MONDO:0019567, OMIM 130000.

Allele frequency attached by ClinVar (database versions not stated): gnomAD exomes below 0.00001; gnomAD 0.00003 and 0.00004; TOPMed 0.00006.
gnomAD v4.1: 10 of 1,613,338 alleles (0.00062%); highest among the groups gnomAD compares: African/African-American, 0.0067%; no homozygotes.

Submissions (2):

Labcorp Genetics (formerly Invitae), Labcorp
Classification: Likely benign for Ehlers-Danlos syndrome, classic type, 1. Last evaluated: 2025-12-03. Review status: criteria provided, single submitter. Criteria: Invitae Variant Classification Sherloc (09022015). Collection method: clinical testing. Allele origin: germline.

GeneDx
Classification: Likely benign. Last evaluated: 2016-07-11. Review status: criteria provided, single submitter. Criteria: GeneDx Variant Classification (06012015). Collection method: clinical testing. Allele origin: germline. Affected: yes.
Comment: This variant is considered likely benign or benign based on one or more of the following criteria: it is a conservative change, it occurs at a poorly conserved position in the protein, it is predicted to be benign by multiple in silico algorithms, and/or has population frequency not consistent with disease.

NM_000093.5(COL5A1):c.4393-7C>T

Gene: COL5A1 (collagen type V alpha 1 chain; plus strand). Cytogenetic location: 9q34.3.
Variant type: single nucleotide variant.
Coding change: c.4393-7C>T on transcript NM_000093.5 (MANE Select); 7 bases into the intron before coding-DNA position 4393, C replaced by T.
Molecular consequence: intron variant.
Genome position (GRCh38, 1-based): chr9:134,818,993, C>T. VCF-style: chr9-134818993-C-T. GRCh37 (hg19) VCF-style: chr9-137710839-C-T.
Other names: c.4393-7C>T (NM_001278074.1).
Identifiers: ClinVar variation 387688 (VCV000387688.3), dbSNP rs947083271, ClinGen allele CA16605432.